The following is an entry in ClinVar:

NM_001356.5(DDX3X):c.1454dup (p.His485fs)

Gene: DDX3X (DEAD-box helicase 3 X-linked; plus strand). Cytogenetic location: Xp11.4.
Variant type: Duplication.
Coding change: c.1454dup on transcript NM_001356.5 (MANE Select); coding-DNA position 1454, one base duplicated (A; older notation c.1454dupA).
Protein change: p.His485fs; shifts the reading frame from histidine 485.
Molecular consequence: frameshift variant. On other transcripts: non-coding transcript variant (1).
Genome position (GRCh38, 1-based): chrX:41,346,367, A duplicated. VCF-style (leftmost placement, unchanged base first): chrX-41346366-C-CA. GRCh37 (hg19) VCF-style: chrX-41205619-C-CA.
Other names: c.1454dup, p.His485fs (NM_001193416.3); c.1406dup, p.His469fs (NM_001193417.3); c.896dup, p.His299fs (NM_001363819.1); short protein forms H299fs, H469fs, H485fs.
Identifiers: ClinVar variation 524010 (VCV000524010.2), dbSNP rs1555954122, ClinGen allele CA658799712.

ClinVar aggregate classification (germline): Pathogenic (1 of 4 stars; one submission).

Submission:

GeneDx
Classification: Pathogenic. Last evaluated: 2018-03-23. Review status: criteria provided, single submitter. Criteria: GeneDx Variant Classification (06012015). Collection method: clinical testing. Allele origin: germline. Affected: yes.
Comment: The c.1454dupA variant in the DDX3X gene has not been reported previously as a pathogenic variant nor as a benign variant, to our knowledge. The c.1454dupA variant causes a frameshift starting with codon Histidine 485, changes this amino acid to a Glutamine residue, and creates a premature Stop codon at position 33 of the new reading frame, denoted p.His485GlnfsX33. This variant is predicted to cause loss of normal protein function either through protein truncation or nonsense-mediated mRNA decay. Furthermore, the c.1454dupA variant is not observed in large population cohorts (Lek et al., 2016). We interpret c.1454dupA as a pathogenic variant.